The following is an entry in ClinVar:

ClinVar aggregate classification (germline): Uncertain significance (1 of 4 stars; one submission).

Conditions:
Kabuki syndrome. Also called: Kabuki make-up syndrome; NIIKAWA-KUROKI SYNDROME. Identifiers: Orphanet 2322, MedGen C0796004, MONDO:0016512.

gnomAD v4.1: 2 of 1,522,184 alleles (0.00013%); highest among the groups gnomAD compares: Non-Finnish European, 0.00018%; no homozygotes.

Submission:

Labcorp Genetics (formerly Invitae), Labcorp
Classification: Uncertain significance for Kabuki syndrome. Last evaluated: 2024-09-14. Review status: criteria provided, single submitter. Criteria: Invitae Variant Classification Sherloc (09022015). Collection method: clinical testing. Allele origin: germline.
Comment: This sequence change replaces proline, which is neutral and non-polar, with histidine, which is basic and polar, at codon 859 of the KMT2D protein (p.Pro859His). This variant is not present in population databases (gnomAD no frequency). This variant has not been reported in the literature in individuals affected with KMT2D-related conditions. Invitae Evidence Modeling of protein sequence and biophysical properties (such as structural, functional, and spatial information, amino acid conservation, physicochemical variation, residue mobility, and thermodynamic stability) indicates that this missense variant is not expected to disrupt KMT2D protein function with a negative predictive value of 95%. In summary, the available evidence is currently insufficient to determine the role of this variant in disease. Therefore, it has been classified as a Variant of Uncertain Significance.

NM_003482.4(KMT2D):c.2576C>A (p.Pro859His)

Gene: KMT2D (lysine methyltransferase 2D; minus strand). Cytogenetic location: 12q13.12.
Variant type: single nucleotide variant.
Coding change: c.2576C>A on transcript NM_003482.4 (MANE Select); coding-DNA position 2576, C replaced by A.
Protein change: p.Pro859His; replaces proline 859 with histidine.
Molecular consequence: missense variant.
Genome position (GRCh38, 1-based): chr12:49,051,107, G>T on the plus strand (C>A on the coding strand, the complement: KMT2D is on the minus strand). VCF-style: chr12-49051107-G-T. GRCh37 (hg19) VCF-style: chr12-49444890-G-T.
Other names: short protein forms P859H.
Identifiers: ClinVar variation 3619016 (VCV003619016.2).